The following is an entry in ClinVar:

NM_000218.3(KCNQ1):c.1514+28418G>C

Genes: KCNQ1 (potassium voltage-gated channel subfamily Q member 1; plus strand), KCNQ1OT1 (KCNQ1 opposite strand/antisense transcript 1; minus strand). Cytogenetic location: 11p15.5.
Variant type: single nucleotide variant.
Coding change: c.1514+28418G>C on transcript NM_000218.3 (MANE Select); 28418 bases into the intron after coding-DNA position 1514, G replaced by C.
Molecular consequence: intron variant. On other transcripts: non-coding transcript variant (1).
Genome position (GRCh38, 1-based): chr11:2,690,499, G>C. VCF-style: chr11-2690499-G-C. GRCh37 (hg19) VCF-style: chr11-2711729-G-C.
Other names: c.1244+28418G>C (NM_001406837.1); c.1418+28418G>C (NM_001406836.1); c.974+28418G>C (NM_001406838.1); c.1133+28418G>C (NM_181798.2).
Identifiers: ClinVar variation 3026424 (VCV003026424.22), dbSNP rs1030798640, ClinGen allele CA216192115.

ClinVar aggregate classification (germline): Likely benign (1 of 4 stars; one submission).

Allele frequency attached by ClinVar (database versions not stated): gnomAD 0.00003; gnomAD exomes 0.00004; TOPMed 0.00005.
gnomAD v4.1: 20 of 398,452 alleles (0.005%); highest among the groups gnomAD compares: Non-Finnish European, 0.0013%; no homozygotes.

Submission:

CeGaT Center for Human Genetics Tuebingen
Classification: Likely benign. Last evaluated: 2026-01-01. Review status: criteria provided, single submitter. Criteria: CeGaT Center For Human Genetics Tuebingen Variant Classification Criteria Version 2. Collection method: clinical testing. Allele origin: germline. Affected: yes. Observed: 3 variant alleles.
Comment: KCNQ1OT1: BS2